The following is an entry in ClinVar:

NM_001032396.4(PJA1):c.1642G>A (p.Val548Met)

Gene: PJA1 (praja ring finger ubiquitin ligase 1; minus strand). Cytogenetic location: Xq13.1.
Variant type: single nucleotide variant.
Coding change: c.1642G>A on transcript NM_001032396.4 (MANE Select); coding-DNA position 1642, G replaced by A.
Protein change: p.Val548Met; replaces valine 548 with methionine.
Molecular consequence: missense variant.
Genome position (GRCh38, 1-based): chrX:69,161,432, C>T on the plus strand (G>A on the coding strand, the complement: PJA1 is on the minus strand). VCF-style: chrX-69161432-C-T. GRCh37 (hg19) VCF-style: chrX-68381275-C-T.
Other names: c.1807G>A, p.Val603Met (NM_001382775.1, NM_145119.4); c.1642G>A, p.Val548Met (NM_001382776.1); c.1243G>A, p.Val415Met (NM_022368.5); short protein forms V548M, V415M, V603M.
Identifiers: ClinVar variation 2411517 (VCV002411517.3), dbSNP rs184434118, ClinGen allele CA330884611.

ClinVar aggregate classification (germline): Uncertain significance (1 of 4 stars; one submission).

Allele frequency attached by ClinVar (database versions not stated): TOPMed below 0.00001; gnomAD exomes below 0.00001.
gnomAD v4.1: 2 of 1,209,886 alleles (0.00017%); highest among the groups gnomAD compares: Admixed American, 0.0044%; no homozygotes.

Submission:

Ambry Genetics
Classification: Uncertain significance. Last evaluated: 2026-07-23. Review status: criteria provided, single submitter. Criteria: Ambry Variant Classification Scheme 2023. Collection method: clinical testing. Allele origin: germline.
Comment: The c.1807G>A (p.V603M) alteration is located in exon 2 (coding exon 1) of the PJA1 gene. This alteration results from a G to A substitution at nucleotide position 1807, causing the valine (V) at amino acid position 603 to be replaced by a methionine (M). Based on data from gnomAD, the A allele has an overall frequency of 0.001% (2/204975) total alleles studied. The highest observed frequency was 0.007% (2/28036) of Latino alleles. Based on insufficient or conflicting evidence, the clinical significance of this alteration remains unclear.